The following is an entry in ClinVar:

ClinVar aggregate classification (germline): Uncertain significance (1 of 4 stars; one submission).

Submission:

GeneDx
Classification: Uncertain significance. Last evaluated: 2024-11-19. Review status: criteria provided, single submitter. Criteria: GeneDx Variant Classification Process June 2021. Collection method: clinical testing. Allele origin: germline. Affected: yes.
Comment: Not observed at significant frequency in large population cohorts (gnomAD); In silico analysis indicates that this missense variant does not alter protein structure/function; Has not been previously published as pathogenic or benign to our knowledge

NM_152424.4(AMER1):c.2972A>G (p.Gln991Arg)

Gene: AMER1 (APC membrane recruitment protein 1; minus strand). Cytogenetic location: Xq11.2.
Variant type: single nucleotide variant.
Coding change: c.2972A>G on transcript NM_152424.4 (MANE Select); coding-DNA position 2972, A replaced by G.
Protein change: p.Gln991Arg; replaces glutamine 991 with arginine.
Molecular consequence: missense variant.
Genome position (GRCh38, 1-based): chrX:64,190,315, T>C on the plus strand (A>G on the coding strand, the complement: AMER1 is on the minus strand). VCF-style: chrX-64190315-T-C. GRCh37 (hg19) VCF-style: chrX-63410195-T-C.
Other names: short protein forms Q991R.
Identifiers: ClinVar variation 3899803 (VCV003899803.1).